The following is an entry in ClinVar:

ClinVar aggregate classification (germline): Uncertain significance (1 of 4 stars; one submission).

Allele frequency attached by ClinVar (database versions not stated): gnomAD exomes 0.00001; ExAC 0.00002.
gnomAD v4.1: 4 of 1,614,034 alleles (0.00025%); highest among the groups gnomAD compares: South Asian, 0.0044%; no homozygotes.

Submission:

Labcorp Genetics (formerly Invitae), Labcorp
Classification: Uncertain significance. Last evaluated: 2022-07-19. Review status: criteria provided, single submitter. Criteria: Invitae Variant Classification Sherloc (09022015). Collection method: clinical testing. Allele origin: germline.
Comment: In summary, the available evidence is currently insufficient to determine the role of this variant in disease. Therefore, it has been classified as a Variant of Uncertain Significance. Algorithms developed to predict the effect of missense changes on protein structure and function (SIFT, PolyPhen-2, Align-GVGD) all suggest that this variant is likely to be tolerated. ClinVar contains an entry for this variant (Variation ID: 1402306). This variant has not been reported in the literature in individuals affected with NAXE-related conditions. This variant is present in population databases (rs756401262, gnomAD 0.01%). This sequence change replaces glutamic acid, which is acidic and polar, with glycine, which is neutral and non-polar, at codon 178 of the NAXE protein (p.Glu178Gly).

NM_144772.3(NAXE):c.533A>G (p.Glu178Gly)

Gene: NAXE (NAD(P)HX epimerase; plus strand). Cytogenetic location: 1q22.
Variant type: single nucleotide variant.
Coding change: c.533A>G on transcript NM_144772.3 (MANE Select); coding-DNA position 533, A replaced by G.
Protein change: p.Glu178Gly; replaces glutamic acid 178 with glycine.
Molecular consequence: missense variant.
Genome position (GRCh38, 1-based): chr1:156,593,424, A>G. VCF-style: chr1-156593424-A-G. GRCh37 (hg19) VCF-style: chr1-156563216-A-G.
Other names: short protein forms E178G.
Identifiers: ClinVar variation 1402306 (VCV001402306.6), dbSNP rs756401262, ClinGen allele CA1162824.